The following is an entry in ClinVar:

NM_000065.5(C6):c.1554C>T (p.Phe518=)

Gene: C6 (complement C6; minus strand). Cytogenetic location: 5p13.1.
Variant type: single nucleotide variant.
Coding change: c.1554C>T on transcript NM_000065.5 (MANE Select); coding-DNA position 1554, C replaced by T.
Protein change: p.Phe518=; no amino-acid change (phenylalanine 518 retained).
Molecular consequence: synonymous variant.
Genome position (GRCh38, 1-based): chr5:41,160,272, G>A on the plus strand (C>T on the coding strand, the complement: C6 is on the minus strand). VCF-style: chr5-41160272-G-A. GRCh37 (hg19) VCF-style: chr5-41160374-G-A.
Other names: c.1554C>T, p.Phe518= (NM_001115131.4).
Identifiers: ClinVar variation 1539922 (VCV001539922.26), dbSNP rs761609979, ClinGen allele CA3252422.

ClinVar aggregate classification (germline): Likely benign. Review status: criteria provided, multiple submitters, no conflicts (2 of 4 stars). 2 submissions from 2 submitters: Likely benign (2). Last evaluated 2024-10-03.

Allele frequency attached by ClinVar (database versions not stated): gnomAD exomes below 0.00001 and 0.00001; TOPMed 0.00001; ExAC 0.00002.
gnomAD v4.1: 6 of 1,613,860 alleles (0.00037%); highest among the groups gnomAD compares: South Asian, 0.0011%; no homozygotes.

Submissions (2):

Labcorp Genetics (formerly Invitae), Labcorp
Classification: Likely benign. Last evaluated: 2024-10-03. Review status: criteria provided, single submitter. Criteria: Invitae Variant Classification Sherloc (09022015). Collection method: clinical testing. Allele origin: germline.

CeGaT Center for Human Genetics Tuebingen
Classification: Likely benign. Last evaluated: 2024-06-01. Review status: criteria provided, single submitter. Criteria: CeGaT Center For Human Genetics Tuebingen Variant Classification Criteria Version 2. Collection method: clinical testing. Allele origin: germline. Affected: yes. Observed: 1 variant allele.
Comment: C6: BP4, BP7